The following is an entry in ClinVar:

ClinVar aggregate classification (germline): Pathogenic (1 of 4 stars; one submission).

Conditions:
Gorlin syndrome. Also called: Basal cell nevus syndrome; Nevoid Basal Cell Carcinoma Syndrome. Identifiers: Orphanet 377, MedGen C0004779, MONDO:0007187.

Submission:

Labcorp Genetics (formerly Invitae), Labcorp
Classification: Pathogenic for Gorlin syndrome. Last evaluated: 2022-03-10. Review status: criteria provided, single submitter. Criteria: Invitae Variant Classification Sherloc (09022015). Collection method: clinical testing. Allele origin: germline.
Comment: This variant is not present in population databases (gnomAD no frequency). This sequence change creates a premature translational stop signal (p.Lys82Luefs*10) in the PTCH1 gene. It is expected to result in an absent or disrupted protein product. Loss-of-function variants in PTCH1 are known to be pathogenic (PMID: 16301862, 16419085). This variant has not been reported in the literature in individuals affected with PTCH1-related conditions. For these reasons, this variant has been classified as Pathogenic.

Literature cited by the submitters: PubMed 16301862; PubMed 16419085.

NM_000264.5(PTCH1):c.244delinsCTTCTGAG (p.Lys82fs)

Gene: PTCH1 (patched 1; minus strand). Cytogenetic location: 9q22.32.
Variant type: Indel.
Coding change: c.244delinsCTTCTGAG on transcript NM_000264.5 (MANE Select); coding-DNA position 244, A replaced by CTTCTGAG.
Protein change: p.Lys82fs; shifts the reading frame from lysine 82.
Molecular consequence: frameshift variant. On other transcripts: 5 prime UTR variant (4), non-coding transcript variant (1).
Genome position (GRCh38, 1-based): chr9:95,506,557, T replaced by CTCAGAAG on the plus strand (A replaced by CTTCTGAG on the coding strand, the reverse complement: PTCH1 is on the minus strand). VCF-style: chr9-95506557-T-CTCAGAAG. GRCh37 (hg19) VCF-style: chr9-98268839-T-CTCAGAAG.
Other names: c.46delinsCTTCTGAG, p.Lys16fs (NM_001083602.3, NM_001354919.2); c.241delinsCTTCTGAG, p.Lys81fs (NM_001083603.3); c.-210delinsCTTCTGAG (NM_001083604.3, NM_001083605.3, NM_001083606.3 and 1 more transcripts); c.244delinsCTTCTGAG, p.Lys82fs (NM_001354918.2); short protein forms K82fs, K81fs, K16fs.
Identifiers: ClinVar variation 2108371 (VCV002108371.4), dbSNP rs2538384504, ClinGen allele CA2580080724.